The following continues an entry in ClinVar:

NM_000277.3(PAH):c.1223G>A (p.Arg408Gln)

Gene: PAH. ClinVar aggregate classification (germline): Pathogenic. Pathogenic (1).

Submissions 12 to 20 of 20:

Victorian Clinical Genetics Services, Murdoch Childrens Research Institute
Classification: Pathogenic for Phenylketonuria. Last evaluated: 2021-05-06. Review status: criteria provided, single submitter. Criteria: ACMG Guidelines, 2015. Collection method: clinical testing. Allele origin: germline. Inheritance: Autosomal recessive inheritance. Not counted in ClinVar's aggregate classification.
Comment: Based on the classification scheme VCGS_Germline_v1.3.4, this variant is classified as Pathogenic. Following criteria are met: 0102 - Loss of function is a known mechanism of disease in this gene and is associated with phenylketonuria (PKU; MIM#261600). (I) 0106 - This gene is associated with autosomal recessive disease. (I) 0200 - Variant is predicted to result in a missense amino acid change from arginine to glutamine. (I) 0251 - This variant is heterozygous. (I) 0304 - Variant is present in gnomAD <0.01 for a recessive condition (v2: 14 heterozygotes, 0 homozygotes). (SP) 0309 - An alternative amino acid change at the same position has been observed in gnomAD (v2) (252 heterozygotes, 0 homozygotes). (I) 0501 - Missense variant consistently predicted to be damaging by multiple in silico tools or highly conserved with a major amino acid change. (SP) 0600 - Variant is located in the annotated catalytic domain (PMID: 30037505). (I) 0705 - The well-reported pathogenic variant, p.(Arg408Trp), affecting the same residue has previously been reported in association with phenylketonuria (ClinVar), however it is not considered a comparable variant as it has a major Grantham score, whereas this variant has a minor score, therefore cannot be used to inform pathogenicity. (I) 0801 - This variant has strong previous evidence of pathogenicity in unrelated individuals. It has been reported in multiple individuals with mild PKU, mild hyperphenylalaninemia ( MHP) and non-PKU hyperphenylalaninemia (ClinVar, PMID: 1312992). (SP) 1002 - This variant has moderate functional evidence supporting abnormal protein function. Site-directed mutagenesis studies have shown a reduction of 41% in PAH activity compared to wild-type (PMID: 30037505). (SP) 1208 - Inheritance information for this variant is not currently available in this individual. (I) Legend: (SP) - Supporting pathogenic, (I) - Information, (SB) - Supporting benign

Myriad Genetics, Inc.
Classification: Pathogenic for Phenylketonuria. Last evaluated: 2019-12-19. Review status: criteria provided, single submitter. Criteria: Myriad Women's Health Autosomal Recessive and X-Linked Classification Criteria (2019). Collection method: clinical testing. Allele origin: unknown. Not counted in ClinVar's aggregate classification.
Comment: NM_000277.1(PAH):c.1223G>A(R408Q) is classified as pathogenic in the context of phenylalanine hydroxylase deficiency and can be associated with variant or non-PKU HPA. Sources cited for classification include the following: PMID 14722928, 1312992, 1355066, 1301200, and 8533759. Classification of NM_000277.1(PAH):c.1223G>A(R408Q) is based on the following criteria: This is a well-established pathogenic variant in the literature that has been observed more frequently in patients with clinical diagnoses than in healthy populations. Please note: this variant was assessed in the context of healthy population screening.

Eurofins Ntd Llc (ga)
Classification: Pathogenic. Last evaluated: 2017-06-29. Review status: criteria provided, single submitter. Criteria: EGL Classification Definitions 2015. Collection method: clinical testing. Allele origin: germline. Observed: 5 variant alleles, 5 heterozygotes. Not counted in ClinVar's aggregate classification.

Juno Genomics, Hangzhou Juno Genomics, Inc
Classification: Pathogenic for Phenylketonuria. Review status: criteria provided, single submitter. Criteria: ACMG Guidelines, 2015. Collection method: clinical testing. Allele origin: germline. Affected: yes. Not counted in ClinVar's aggregate classification.
Comment: Absent from controls (or at extremely low frequency if recessive) in Genome Aggregation Database, Exome Sequencing Project, 1000 Genomes Project, or Exome Aggregation Consortium.;For recessive disorders, detected in trans with a pathogenic variant.;Well-established in vitro or in vivo functional studies supportive of a damaging effect on the gene or gene product.;Novel missense change at an amino acid residue where a different missense change determined to be pathogenic has been seen before.

Kariminejad - Najmabadi Pathology & Genetics Center
Classification: Pathogenic for Phenylketonuria. Review status: criteria provided, single submitter. Criteria: ACMG Guidelines, 2015. Collection method: clinical testing. Allele origin: germline. Affected: no. Not counted in ClinVar's aggregate classification.

Clinical Laboratory, Xuzhou Maternity and Child Health Care Hospital
Classification: Pathogenic for Phenylketonuria. Last evaluated: 2026-08-28. Review status: no assertion criteria provided. Collection method: clinical testing. Allele origin: germline. Affected: yes. Not counted in ClinVar's aggregate classification.

OMIM
Classification: Pathogenic for PHENYLKETONURIA. Last evaluated: 1992-08-01. Review status: no assertion criteria provided. Collection method: literature only. Allele origin: germline. Not counted in ClinVar's aggregate classification.

DeBelle Laboratory for Biochemical Genetics, MUHC/MCH RESEARCH INSTITUTE
No classification provided. Review status: no classification provided. Collection method: not provided. Allele origin: not provided. Not counted in ClinVar's aggregate classification.

Neonatal Disease Screening Center, Medical Genetics Center, Huaihua City Maternal and Child Health Care Hospital
Classification: Pathogenic for Phenylketonuria. Review status: no assertion criteria provided. Criteria: ACMG Guidelines, 2015. Collection method: clinical testing. Allele origin: germline. Affected: yes. Observed: 1 variant allele. Not counted in ClinVar's aggregate classification.
Comment: PS3+PM3_VS+PM5+PP1+PP3+PP4_M

Literature cited by the submitters: PubMed 1312992 (cited by 6 submitters); PubMed 9860305 (cited by ClinGen PAH Variant Curation Expert Panel and Mayo Clinic Laboratories, Mayo Clinic); PubMed 14722928 (cited by 3 submitters); PubMed 10471838 (cited by Labcorp Genetics (formerly Invitae), Labcorp and Natera, Inc.); PubMed 24401910 (cited by Labcorp Genetics (formerly Invitae), Labcorp and Mayo Clinic Laboratories, Mayo Clinic); PubMed 29317692 (cited by Labcorp Genetics (formerly Invitae), Labcorp); PubMed 12655546 (cited by Labcorp Genetics (formerly Invitae), Labcorp and Mayo Clinic Laboratories, Mayo Clinic); PubMed 2014036 (cited by Labcorp Genetics (formerly Invitae), Labcorp); PubMed 12173030 (cited by Labcorp Genetics (formerly Invitae), Labcorp); PubMed 24368688 (cited by Women's Health and Genetics/Laboratory Corporation of America, LabCorp and Mayo Clinic Laboratories, Mayo Clinic); PubMed 26666653 (cited by Women's Health and Genetics/Laboratory Corporation of America, LabCorp and Natera, Inc.); PubMed 27121329 (cited by Women's Health and Genetics/Laboratory Corporation of America, LabCorp and Natera, Inc.); PubMed 26322415 (cited by Natera, Inc.); PubMed 30159852 (cited by Natera, Inc.); PubMed 8831077 (cited by Natera, Inc.); PubMed 26351554 (cited by Mayo Clinic Laboratories, Mayo Clinic and Cellular and Molecular Research Center, Cellular and Molecular Medicine Research Institute,, Urmia University of Medical Sciences); PubMed 30037505 (cited by Mayo Clinic Laboratories, Mayo Clinic and Victorian Clinical Genetics Services, Murdoch Childrens Research Institute); PubMed 1355066 (cited by 3 submitters); PubMed 1301200 (cited by Myriad Genetics, Inc.); PubMed 8533759 (cited by Myriad Genetics, Inc.).